The following is an entry in ClinVar:

NM_003587.5(DHX16):c.5C>A (p.Ala2Glu)

Gene: DHX16 (DEAH-box helicase 16; minus strand). Cytogenetic location: 6p21.33.
Variant type: single nucleotide variant.
Coding change: c.5C>A on transcript NM_003587.5 (MANE Select); coding-DNA position 5, C replaced by A.
Protein change: p.Ala2Glu; replaces alanine 2 with glutamic acid.
Molecular consequence: missense variant. On other transcripts: 5 prime UTR variant (1), intron variant (1).
Genome position (GRCh38, 1-based): chr6:30,672,837, G>T on the plus strand (C>A on the coding strand, the complement: DHX16 is on the minus strand). VCF-style: chr6-30672837-G-T. GRCh37 (hg19) VCF-style: chr6-30640614-G-T.
Other names: c.-2115C>A (NM_001363515.2); c.27+119C>A (NM_001164239.2); short protein forms A2E.
Identifiers: ClinVar variation 3600983 (VCV003600983.1).

ClinVar aggregate classification (germline): Uncertain significance (1 of 4 stars; one submission).

Submission:

GeneDx
Classification: Uncertain significance. Last evaluated: 2024-07-23. Review status: criteria provided, single submitter. Criteria: GeneDx Variant Classification Process June 2021. Collection method: clinical testing. Allele origin: germline. Affected: yes.
Comment: Not observed at significant frequency in large population cohorts (gnomAD); In silico analysis indicates that this missense variant does not alter protein structure/function; Has not been previously published as pathogenic or benign to our knowledge